The following is an entry in ClinVar:

ClinVar aggregate classification (germline): Uncertain significance (1 of 4 stars; one submission).

Allele frequency attached by ClinVar (database versions not stated): TOPMed below 0.00001; gnomAD exomes 0.00002.
gnomAD v4.1: 34 of 1,614,220 alleles (0.0021%); highest among the groups gnomAD compares: Non-Finnish European, 0.0028%; no homozygotes.

Submission:

Labcorp Genetics (formerly Invitae), Labcorp
Classification: Uncertain significance. Last evaluated: 2022-11-03. Review status: criteria provided, single submitter. Criteria: Invitae Variant Classification Sherloc (09022015). Collection method: clinical testing. Allele origin: germline.
Comment: In summary, the available evidence is currently insufficient to determine the role of this variant in disease. Therefore, it has been classified as a Variant of Uncertain Significance. Algorithms developed to predict the effect of missense changes on protein structure and function are either unavailable or do not agree on the potential impact of this missense change (SIFT: "Tolerated"; PolyPhen-2: "Possibly Damaging"; Align-GVGD: "Class C0"). This variant has not been reported in the literature in individuals affected with SLC7A14-related conditions. This variant is present in population databases (rs202144632, gnomAD 0.002%). This sequence change replaces alanine, which is neutral and non-polar, with serine, which is neutral and polar, at codon 344 of the SLC7A14 protein (p.Ala344Ser).

NM_020949.3(SLC7A14):c.1030G>T (p.Ala344Ser)

Genes: SLC7A14 (solute carrier family 7 member 14; minus strand), SLC7A14-AS1 (SLC7A14 antisense RNA 1; plus strand). Cytogenetic location: 3q26.2.
Variant type: single nucleotide variant.
Coding change: c.1030G>T on transcript NM_020949.3 (MANE Select); coding-DNA position 1030, G replaced by T.
Protein change: p.Ala344Ser; replaces alanine 344 with serine.
Molecular consequence: missense variant.
Genome position (GRCh38, 1-based): chr3:170,483,399, C>A on the plus strand (G>T on the coding strand, the complement: SLC7A14 is on the minus strand). VCF-style: chr3-170483399-C-A. GRCh37 (hg19) VCF-style: chr3-170201188-C-A.
Other names: short protein forms A344S.
Identifiers: ClinVar variation 2992273 (VCV002992273.3), dbSNP rs202144632, ClinGen allele CA2701739.